The following is an entry in ClinVar:

ClinVar aggregate classification (germline): Pathogenic (1 of 4 stars; one submission).

Conditions:
Hereditary cancer-predisposing syndrome. Also called: Neoplastic Syndromes, Hereditary; Tumor predisposition; Hereditary Cancer Syndrome; Hereditary neoplastic syndrome. Identifiers: Orphanet 140162, MedGen C0027672, MeSH D009386, MONDO:0015356.

Submission:

Ambry Genetics
Classification: Pathogenic for Hereditary cancer-predisposing syndrome. Last evaluated: 2024-11-09. Review status: criteria provided, single submitter. Criteria: Ambry Variant Classification Scheme 2023. Collection method: clinical testing. Allele origin: germline.
Comment: The c.368_369delTTinsA pathogenic mutation, located in coding exon 2 of the RAD51C gene, results from the deletion of two nucleotides and insertion of one nucleotide causing a translational frameshift with a predicted alternate stop codon (p.I123Nfs*18). This variant is considered to be rare based on population cohorts in the Genome Aggregation Database (gnomAD). This alteration is expected to result in loss of function by premature protein truncation or nonsense-mediated mRNA decay. As such, this alteration is interpreted as a disease-causing mutation.

NM_058216.3(RAD51C):c.368_369delinsA (p.Ile123fs)

Gene: RAD51C (RAD51 paralog C; plus strand). Cytogenetic location: 17q22.
Variant type: Indel.
Coding change: c.368_369delinsA on transcript NM_058216.3 (MANE Select); coding-DNA positions 368 to 369, TT replaced by A.
Protein change: p.Ile123fs; shifts the reading frame from isoleucine 123.
Molecular consequence: frameshift variant. On other transcripts: non-coding transcript variant (2).
Genome position (GRCh38, 1-based): chr17:58,695,153-58,695,154, TT replaced by A. VCF-style: chr17-58695153-TT-A. GRCh37 (hg19) VCF-style: chr17-56772514-TT-A.
Other names: c.368_369delinsA, p.Ile123fs (NM_002876.4); short protein forms I123fs.
Identifiers: ClinVar variation 3429721 (VCV003429721.1).